The following is an entry in ClinVar:

ClinVar aggregate classification (germline): Uncertain significance (1 of 4 stars; one submission).

Submission:

GeneDx
Classification: Uncertain significance. Last evaluated: 2022-01-25. Review status: criteria provided, single submitter. Criteria: GeneDx Variant Classification Process June 2021. Collection method: clinical testing. Allele origin: germline. Affected: yes.
Comment: Not observed at significant frequency in large population cohorts (gnomAD); In silico analysis supports that this missense variant has a deleterious effect on protein structure/function; Has not been previously published as pathogenic or benign to our knowledge

NM_001367721.1(CASK):c.2248G>T (p.Val750Phe)

Gene: CASK (calcium/calmodulin dependent serine protein kinase; minus strand). Cytogenetic location: Xp11.4.
Variant type: single nucleotide variant.
Coding change: c.2248G>T on transcript NM_001367721.1 (MANE Select); coding-DNA position 2248, G replaced by T.
Protein change: p.Val750Phe; replaces valine 750 with phenylalanine.
Molecular consequence: missense variant.
Genome position (GRCh38, 1-based): chrX:41,534,775, C>A on the plus strand (G>T on the coding strand, the complement: CASK is on the minus strand). VCF-style: chrX-41534775-C-A. GRCh37 (hg19) VCF-style: chrX-41394028-C-A.
Other names: c.2164G>T, p.Val722Phe (NM_001126054.3); c.2161G>T, p.Val721Phe (NM_001126055.3); c.2230G>T, p.Val744Phe (NM_001410745.1); c.2233G>T, p.Val745Phe (NM_003688.4); short protein forms V721F, V722F, V745F, V750F, V744F.
Identifiers: ClinVar variation 1699856 (VCV001699856.2), dbSNP rs2147095961, ClinGen allele CA412991650.